The following is an entry in ClinVar:

ClinVar aggregate classification (germline): Benign/Likely benign. Review status: criteria provided, multiple submitters, no conflicts (2 of 4 stars). 4 submissions from 4 submitters: Benign (2); Likely benign (2). Last evaluated 2025-12-28.

Conditions:
Neuropathy, hereditary sensory and autonomic, type 2A (HSAN2A). Also called: WNK1-Related HSAN2 (HSAN2A); MORVAN DISEASE; NEUROPATHY, CONGENITAL SENSORY; NEUROPATHY, HEREDITARY SENSORY RADICULAR, AUTOSOMAL RECESSIVE; NEUROPATHY, HEREDITARY SENSORY, TYPE IIA; NEUROPATHY, PROGRESSIVE SENSORY, OF CHILDREN. Identifiers: Orphanet 970, MedGen C2752089, MONDO:0024309, OMIM 201300.
Pseudohypoaldosteronism type 2C (PHA2C). Also called: Pseudohypoaldosteronism Type IIC. Identifiers: Orphanet 757, Orphanet 88940, MedGen C1840391, MONDO:0013778, OMIM 614492.

Allele frequency attached by ClinVar (database versions not stated): gnomAD exomes 0.00043 and 0.00091; ExAC 0.00179; gnomAD 0.00428 and 0.00451; TOPMed 0.00474; 1000 Genomes Project 0.00659; 1000 Genomes Project 30x 0.00687.
gnomAD v4.1: 1,261 of 1,519,994 alleles (0.083%); highest among the groups gnomAD compares: African/African-American, 1.5%; 6 homozygotes.

Submissions (4):

Labcorp Genetics (formerly Invitae), Labcorp
Classification: Benign for Neuropathy, hereditary sensory and autonomic, type 2A; Pseudohypoaldosteronism type 2C. Last evaluated: 2025-12-28. Review status: criteria provided, single submitter. Criteria: Invitae Variant Classification Sherloc (09022015). Collection method: clinical testing. Allele origin: germline.

Mayo Clinic Laboratories, Mayo Clinic
Classification: Benign. Last evaluated: 2025-04-22. Review status: criteria provided, single submitter. Criteria: ACMG Guidelines, 2015. Collection method: clinical testing. Allele origin: germline. Observed: 2 variant alleles.
Comment: BA1, BP4

GeneDx
Classification: Likely benign. Last evaluated: 2018-10-21. Review status: criteria provided, single submitter. Criteria: GeneDx Variant Classification Process June 2021. Collection method: clinical testing. Allele origin: germline. Affected: yes.

Breakthrough Genomics
Classification: Likely benign. Review status: criteria provided, single submitter. Criteria: ACMG Guidelines, 2015. Collection method: not provided. Allele origin: germline. Inheritance: Autosomal recessive inheritance. Affected: yes.

NM_213655.5(WNK1):c.2155A>G (p.Ser719Gly)

Gene: WNK1 (WNK lysine deficient protein kinase 1; plus strand). Cytogenetic location: 12p13.33.
Variant type: single nucleotide variant.
Coding change: c.2155A>G on transcript NM_213655.5 (MANE Plus Clinical); coding-DNA position 2155, A replaced by G.
Protein change: p.Ser719Gly; replaces serine 719 with glycine.
Molecular consequence: missense variant. On other transcripts: intron variant (3).
Genome position (GRCh38, 1-based): chr12:865,125, A>G. VCF-style: chr12-865125-A-G. GRCh37 (hg19) VCF-style: chr12-974291-A-G.
Other names: p.Ser719Gly; c.2140-2741A>G (NM_001184985.2); c.2139+2855A>G (NM_018979.4, NM_014823.3); short protein forms S719G.
Identifiers: ClinVar variation 704453 (VCV000704453.15), dbSNP rs72649807, ClinGen allele CA6382125.